The following is an entry in ClinVar:

NM_001701.4(BAAT):c.602G>C (p.Arg201Pro)

Gene: BAAT (bile acid-CoA:amino acid N-acyltransferase; minus strand). Cytogenetic location: 9q31.1.
Variant type: single nucleotide variant.
Coding change: c.602G>C on transcript NM_001701.4 (MANE Select); coding-DNA position 602, G replaced by C.
Protein change: p.Arg201Pro; replaces arginine 201 with proline.
Molecular consequence: missense variant.
Genome position (GRCh38, 1-based): chr9:101,368,187, C>G on the plus strand (G>C on the coding strand, the complement: BAAT is on the minus strand). VCF-style: chr9-101368187-C-G. GRCh37 (hg19) VCF-style: chr9-104130469-C-G.
Other names: p.Arg201Pro; c.602G>C, p.Arg201Pro (NM_001127610.2, NM_001374715.1); short protein forms R201P.
Identifiers: ClinVar variation 258173 (VCV000258173.14), dbSNP rs41281027, ClinGen allele CA5160675.

ClinVar aggregate classification (germline): Benign. Review status: criteria provided, multiple submitters, no conflicts (2 of 4 stars). 6 submissions from 6 submitters: Benign (6). Last evaluated 2026-01-24.

Conditions:
Hypercholanemia, familial 1 (FHCA1). Identifiers: Orphanet 238475, MedGen C5542604, MONDO:0031446, OMIM 607748.

Allele frequency attached by ClinVar (database versions not stated): 1000 Genomes Project 30x 0.15709; TOPMed 0.15981; 1000 Genomes Project 0.15515; ESP Exome Variant Server 0.16969.
gnomAD v4.1: 244,826 of 1,584,312 alleles (15%); highest among the groups gnomAD compares: African/African-American, 22%; 19,486 homozygotes.

Submissions (6):

Labcorp Genetics (formerly Invitae), Labcorp
Classification: Benign. Last evaluated: 2026-01-24. Review status: criteria provided, single submitter. Criteria: Invitae Variant Classification Sherloc (09022015). Collection method: clinical testing. Allele origin: germline.

Mayo Clinic Laboratories, Mayo Clinic
Classification: Benign. Last evaluated: 2022-05-05. Review status: criteria provided, single submitter. Criteria: ACMG Guidelines, 2015. Collection method: clinical testing. Allele origin: germline. Observed: 165 variant alleles.

GeneDx
Classification: Benign. Last evaluated: 2021-06-09. Review status: criteria provided, single submitter. Criteria: GeneDx Variant Classification Process June 2021. Collection method: clinical testing. Allele origin: germline. Affected: yes.

Illumina Laboratory Services, Illumina
Classification: Benign for Hypercholanemia, familial 1. Last evaluated: 2018-01-13. Review status: criteria provided, single submitter. Criteria: ICSL Variant Classification Criteria 13 December 2019. Collection method: clinical testing. Allele origin: germline.
Comment: This variant was observed in the ICSL laboratory as part of a predisposition screen in an ostensibly healthy population. It had not been previously curated by ICSL or reported in the Human Gene Mutation Database (HGMD: prior to June 1st, 2018), and was therefore a candidate for classification through an automated scoring system. Utilizing variant allele frequency, disease prevalence and penetrance estimates, and inheritance mode, an automated score was calculated to assess if this variant is too frequent to cause the disease. Based on the score and internal cut-off values, a variant classified as benign is not then subjected to further curation. The score for this variant resulted in a classification of benign for this disease.

Breakthrough Genomics
Classification: Benign. Review status: criteria provided, single submitter. Criteria: ACMG Guidelines, 2015. Collection method: not provided. Allele origin: germline. Inheritance: Autosomal recessive inheritance. Affected: yes.

PreventionGenetics, part of Exact Sciences
Classification: Benign. Review status: criteria provided, single submitter. Criteria: ACMG Guidelines, 2015. Collection method: clinical testing. Allele origin: germline.